The following is an entry in ClinVar:

ClinVar aggregate classification (germline): Pathogenic (1 of 4 stars; one submission).

Conditions:
Leigh syndrome (NULS). Also called: Leigh's syndrome; Leigh Disease; LEIGH SYNDROME, NUCLEAR; Leigh's necrotizing encephalopathy; Leigh's disease; Leigh Syndrome (mtDNA deletion). Identifiers: Orphanet 506, MedGen C2931891, MONDO:0009723, OMIM 256000.

Submission:

Labcorp Genetics (formerly Invitae), Labcorp
Classification: Pathogenic for Leigh syndrome. Last evaluated: 2024-10-24. Review status: criteria provided, single submitter. Criteria: Invitae Variant Classification Sherloc (09022015). Collection method: clinical testing. Allele origin: germline.
Comment: This sequence change affects a donor splice site in intron 3 of the SURF1 gene. It is expected to disrupt RNA splicing. Variants that disrupt the donor or acceptor splice site typically lead to a loss of protein function (PMID: 16199547), and loss-of-function variants in SURF1 are known to be pathogenic (PMID: 10443880, 22488715, 24027061). This variant is not present in population databases (gnomAD no frequency). Disruption of this splice site has been observed in individuals with clinical features of SURF1-related conditions (PMID: 10443880, 16542579, 24462369). Algorithms developed to predict the effect of sequence changes on RNA splicing suggest that this variant may disrupt the consensus splice site. For these reasons, this variant has been classified as Pathogenic.

Literature cited by the submitters: PubMed 16199547; PubMed 10443880; PubMed 22488715; PubMed 24027061; PubMed 16542579; PubMed 24462369.

NM_003172.4(SURF1):c.240+1G>A

Gene: SURF1 (SURF1 cytochrome c oxidase assembly factor; minus strand). Cytogenetic location: 9q34.2.
Variant type: single nucleotide variant.
Coding change: c.240+1G>A on transcript NM_003172.4 (MANE Select); the canonical splice donor site of the intron after coding-DNA position 240, G replaced by A.
Molecular consequence: splice donor variant.
Genome position (GRCh38, 1-based): chr9:133,354,823, C>T on the plus strand (G>A on the coding strand, the complement: SURF1 is on the minus strand). VCF-style: chr9-133354823-C-T. GRCh37 (hg19) VCF-style: chr9-136221678-C-T.
Other names: c.-88+1G>A (NM_001280787.1).
Identifiers: ClinVar variation 2850326 (VCV002850326.3), dbSNP rs781948238, ClinGen allele CA375694712.